The following is an entry in ClinVar:

NM_001283009.2(RTEL1):c.1618T>G (p.Ser540Ala)

Genes: RTEL1-TNFRSF6B (RTEL1-TNFRSF6B readthrough (NMD candidate); plus strand), RTEL1 (regulator of telomere elongation helicase 1; plus strand). Cytogenetic location: 20q13.33.
Variant type: single nucleotide variant.
Coding change: c.1618T>G on transcript NM_001283009.2 (MANE Select); coding-DNA position 1618, T replaced by G.
Protein change: p.Ser540Ala; replaces serine 540 with alanine.
Molecular consequence: missense variant. On other transcripts: non-coding transcript variant (1).
Genome position (GRCh38, 1-based): chr20:63,688,161, T>G. VCF-style: chr20-63688161-T-G. GRCh37 (hg19) VCF-style: chr20-62319514-T-G.
Other names: c.949T>G, p.Ser317Ala (NM_001283010.1); c.1618T>G, p.Ser540Ala (NM_016434.4); c.1690T>G, p.Ser564Ala (NM_032957.5); short protein forms S540A, S564A, S317A.
Identifiers: ClinVar variation 217520 (VCV000217520.6), dbSNP rs863225130, ClinGen allele CA279525.

ClinVar aggregate classification (germline): Conflicting classifications of pathogenicity. Review status: criteria provided, conflicting classifications (1 of 4 stars). 2 submissions from 2 submitters: Pathogenic (1); Uncertain significance (1). Last evaluated 2022-01-03.

Conditions:
Dyskeratosis congenita, autosomal recessive 5 (DKCB5). Identifiers: MedGen C3554656, MONDO:0014076, OMIM 615190.
Pulmonary fibrosis and/or bone marrow failure, Telomere-related, 3. Also called: PULMONARY FIBROSIS AND/OR BONE MARROW FAILURE SYNDROME, TELOMERE-RELATED, 3. Identifiers: Orphanet 2032, MedGen C4225346, MONDO:0014613, OMIM 616373.
Interstitial lung disease 2 (ILD2). Also called: FIBROCYSTIC PULMONARY DYSPLASIA; FIBROSING ALVEOLITIS, CRYPTOGENIC; Familial idiopathic pulmonary fibrosis. Identifiers: Orphanet 2032, Orphanet 79126, MedGen C5561926, MONDO:0800497, OMIM 178500, MONDO:0800029.

Submissions (2):

Labcorp Genetics (formerly Invitae), Labcorp
Classification: Uncertain significance for Dyskeratosis congenita, autosomal recessive 5; Pulmonary fibrosis and/or bone marrow failure, Telomere-related, 3. Last evaluated: 2022-01-03. Review status: criteria provided, single submitter. Criteria: Invitae Variant Classification Sherloc (09022015). Collection method: clinical testing. Allele origin: germline.
Comment: In summary, the available evidence is currently insufficient to determine the role of this variant in disease. Therefore, it has been classified as a Variant of Uncertain Significance. Algorithms developed to predict the effect of missense changes on protein structure and function are either unavailable or do not agree on the potential impact of this missense change (SIFT: "Tolerated"; PolyPhen-2: "Possibly Damaging"; Align-GVGD: "Class C0"). ClinVar contains an entry for this variant (Variation ID: 217520). This missense change has been observed in individual(s) with familial interstitial pneumonia (PMID: 25607374). It has also been observed to segregate with disease in related individuals. This variant is not present in population databases (gnomAD no frequency). This sequence change replaces serine, which is neutral and polar, with alanine, which is neutral and non-polar, at codon 540 of the RTEL1 protein (p.Ser540Ala).

University of Washington Center for Mendelian Genomics, University of Washington
Classification: Pathogenic for Interstitial lung disease 2. Last evaluated: 2015-05-19. Review status: criteria provided, single submitter. Criteria: Submitter's publication. Collection method: research. Allele origin: inherited. Affected: yes.

Literature cited by the submitters: PubMed 25607374 (cited by Labcorp Genetics (formerly Invitae), Labcorp).